The following is an entry in ClinVar:

NM_032776.3(JMJD1C):c.1103G>C (p.Arg368Pro)

Gene: JMJD1C (jumonji domain containing 1C; minus strand). Cytogenetic location: 10q21.3.
Variant type: single nucleotide variant.
Coding change: c.1103G>C on transcript NM_032776.3 (MANE Select); coding-DNA position 1103, G replaced by C.
Protein change: p.Arg368Pro; replaces arginine 368 with proline.
Molecular consequence: missense variant. On other transcripts: non-coding transcript variant (1).
Genome position (GRCh38, 1-based): chr10:63,215,064, C>G on the plus strand (G>C on the coding strand, the complement: JMJD1C is on the minus strand). VCF-style: chr10-63215064-C-G. GRCh37 (hg19) VCF-style: chr10-64974824-C-G.
Other names: c.557G>C, p.Arg186Pro (NM_001282948.2, NM_001318154.2); c.239G>C, p.Arg80Pro (NM_001318153.2); c.989G>C, p.Arg330Pro (NM_001322252.2); c.446G>C, p.Arg149Pro (NM_001322254.2, NM_001322258.2); short protein forms R149P, R186P, R330P, R368P, R80P.
Identifiers: ClinVar variation 1011291 (VCV001011291.8), dbSNP rs200644675, ClinGen allele CA377050551.

ClinVar aggregate classification (germline): Uncertain significance (1 of 4 stars; one submission).

Conditions:
Early Myoclonic Encephalopathy. Identifiers: MedGen C0270855.

gnomAD v4.1: 2 of 1,602,490 alleles (0.00012%); highest among the groups gnomAD compares: African/African-American, 0.0027%; no homozygotes.

Submission:

Labcorp Genetics (formerly Invitae), Labcorp
Classification: Uncertain significance for Early Myoclonic Encephalopathy. Last evaluated: 2022-07-26. Review status: criteria provided, single submitter. Criteria: Invitae Variant Classification Sherloc (09022015). Collection method: clinical testing. Allele origin: germline.
Comment: This sequence change replaces arginine, which is basic and polar, with proline, which is neutral and non-polar, at codon 368 of the JMJD1C protein (p.Arg368Pro). This variant is present in population databases (no rsID available, gnomAD 0.01%). This variant has not been reported in the literature in individuals affected with JMJD1C-related conditions. ClinVar contains an entry for this variant (Variation ID: 1011291). Algorithms developed to predict the effect of missense changes on protein structure and function are either unavailable or do not agree on the potential impact of this missense change (SIFT: "Deleterious"; PolyPhen-2: "Probably Damaging"; Align-GVGD: "Class C0"). In summary, the available evidence is currently insufficient to determine the role of this variant in disease. Therefore, it has been classified as a Variant of Uncertain Significance.